The following is an entry in ClinVar:

NM_004999.4(MYO6):c.3496C>T (p.Arg1166Ter)

Gene: MYO6 (myosin VI; plus strand). Cytogenetic location: 6q14.1.
Variant type: single nucleotide variant.
Coding change: c.3496C>T on transcript NM_004999.4 (MANE Select); coding-DNA position 3496, C replaced by T.
Protein change: p.Arg1166Ter; replaces arginine 1166 with a stop codon.
Molecular consequence: nonsense. On other transcripts: non-coding transcript variant (1).
Genome position (GRCh38, 1-based): chr6:75,914,119, C>T. VCF-style: chr6-75914119-C-T. GRCh37 (hg19) VCF-style: chr6-76623836-C-T.
Other names: c.3427C>T, p.Arg1143Ter (NM_001300899.2); c.3400C>T, p.Arg1134Ter (NM_001368136.1); c.3457C>T, p.Arg1153Ter (NM_001368137.1); c.3412C>T, p.Arg1138Ter (NM_001368138.1); c.3523C>T, p.Arg1175Ter (NM_001368865.1); c.3496C>T, p.Arg1166Ter (NM_001368866.1); short protein forms R1166*, R1153*, R1134*, R1175*, R1138*, R1143*.
Identifiers: ClinVar variation 8579 (VCV000008579.5), dbSNP rs121912558, ClinGen allele CA254505.

ClinVar aggregate classification (germline): Pathogenic. Review status: criteria provided, multiple submitters, no conflicts (2 of 4 stars). 3 submissions from 3 submitters: Pathogenic (2). 1 of the submissions does not count toward it. Last evaluated 2025-05-05.

Conditions:
Autosomal recessive nonsyndromic hearing loss 37. Identifiers: Orphanet 90636, MedGen C1843028, MONDO:0011912, OMIM 607821.

Allele frequency attached by ClinVar (database versions not stated): gnomAD exomes below 0.00001; TOPMed below 0.00001; gnomAD 0.00001.
gnomAD v4.1: 5 of 1,614,064 alleles (0.00031%); highest among the groups gnomAD compares: Non-Finnish European, 0.00042%; no homozygotes.

Submissions (3):

Labcorp Genetics (formerly Invitae), Labcorp
Classification: Pathogenic. Last evaluated: 2025-05-05. Review status: criteria provided, single submitter. Criteria: Invitae Variant Classification Sherloc (09022015). Collection method: clinical testing. Allele origin: germline.
Comment: This sequence change creates a premature translational stop signal (p.Arg1166*) in the MYO6 gene. It is expected to result in an absent or disrupted protein product. Loss-of-function variants in MYO6 are known to be pathogenic (PMID: 12687499, 18348273, 23767834, 25999546, 30582396). This variant is not present in population databases (gnomAD no frequency). This premature translational stop signal has been observed in individual(s) with deafness (PMID: 12687499). ClinVar contains an entry for this variant (Variation ID: 8579). For these reasons, this variant has been classified as Pathogenic.

GeneDx
Classification: Pathogenic. Last evaluated: 2020-06-25. Review status: criteria provided, single submitter. Criteria: GeneDx Variant Classification Process June 2021. Collection method: clinical testing. Allele origin: germline. Affected: yes.
Comment: Observed in heterozygous state in five patients with mild hearing loss, including four cases with onset between 29-35 years of age and family histories consistent with autosomal dominant inheritance, and one sporadic case with unknown age of onset and inheritance pattern (Miyagawa et al., 2015; Oka et al., 2020); R1166X segregated in two other heterozygous affected relatives in one of these families; Published functional studies demonstrate a damging effect resulting in a truncated protein with aberrant binding and localization (Arden et al., 2016); Not observed in large population cohorts (Lek et al., 2016); This variant is associated with the following publications: (PMID: 31589614, 25999546, 32143290, 12687499, 18348273, 27474411, 25525159, 18212818)

OMIM
Classification: Pathogenic for DEAFNESS, AUTOSOMAL RECESSIVE 37. Last evaluated: 2003-05-01. Review status: no assertion criteria provided. Collection method: literature only. Allele origin: germline. Not counted in ClinVar's aggregate classification.

Literature cited by the submitters: PubMed 12687499 (cited by Labcorp Genetics (formerly Invitae), Labcorp and OMIM); PubMed 18348273 (cited by Labcorp Genetics (formerly Invitae), Labcorp); PubMed 23767834 (cited by Labcorp Genetics (formerly Invitae), Labcorp); PubMed 25999546 (cited by Labcorp Genetics (formerly Invitae), Labcorp); PubMed 30582396 (cited by Labcorp Genetics (formerly Invitae), Labcorp).